The following is an entry in ClinVar:

ClinVar aggregate classification (germline): Uncertain significance. Review status: criteria provided, multiple submitters, no conflicts (2 of 4 stars). 2 submissions from 2 submitters: Uncertain significance (2). Last evaluated 2023-02-11.

Conditions:
Cortical dysplasia-focal epilepsy syndrome (PTHSL1). Also called: Pitt-Hopkins-like syndrome 1. Identifiers: Orphanet 163681, Orphanet 221150, MedGen C2750246, MONDO:0012400, OMIM 610042.

Allele frequency attached by ClinVar (database versions not stated): gnomAD exomes 0.00001; TOPMed 0.00001.
gnomAD v4.1: 10 of 1,613,352 alleles (0.00062%); highest among the groups gnomAD compares: Middle Eastern, 0.033%; no homozygotes.

Submissions (2):

Women's Health and Genetics/Laboratory Corporation of America, LabCorp
Classification: Uncertain significance. Last evaluated: 2023-02-11. Review status: criteria provided, single submitter. Criteria: LabCorp Variant Classification Summary - May 2015. Collection method: clinical testing. Allele origin: germline.

Labcorp Genetics (formerly Invitae), Labcorp
Classification: Uncertain significance for Cortical dysplasia-focal epilepsy syndrome. Last evaluated: 2021-08-31. Review status: criteria provided, single submitter. Criteria: Invitae Variant Classification Sherloc (09022015). Collection method: clinical testing. Allele origin: germline.
Comment: This sequence change falls in intron 14 of the CNTNAP2 gene. It does not directly change the encoded amino acid sequence of the CNTNAP2 protein. It affects a nucleotide within the consensus splice site of the intron. This variant is not present in population databases (ExAC no frequency). This variant has been observed in individual(s) with clinical features of CNTNAP2-related conditions (Invitae). Variants that disrupt the consensus splice site are a relatively common cause of aberrant splicing (PMID: 17576681, 9536098). Algorithms developed to predict the effect of sequence changes on RNA splicing suggest that this variant is not likely to affect RNA splicing. In summary, the available evidence is currently insufficient to determine the role of this variant in disease. Therefore, it has been classified as a Variant of Uncertain Significance.

Literature cited by the submitters: PubMed 17576681 (cited by Labcorp Genetics (formerly Invitae), Labcorp); PubMed 9536098 (cited by Labcorp Genetics (formerly Invitae), Labcorp).

NM_014141.6(CNTNAP2):c.2255+3G>A

Gene: CNTNAP2 (contactin associated protein 2; plus strand). Cytogenetic location: 7q35.
Variant type: single nucleotide variant.
Coding change: c.2255+3G>A on transcript NM_014141.6 (MANE Select); 3 bases into the intron after coding-DNA position 2255, G replaced by A.
Molecular consequence: intron variant.
Genome position (GRCh38, 1-based): chr7:147,903,724, G>A. VCF-style: chr7-147903724-G-A. GRCh37 (hg19) VCF-style: chr7-147600816-G-A.
Identifiers: ClinVar variation 648774 (VCV000648774.6), dbSNP rs1366034966, ClinGen allele CA578861942.